The following is an entry in ClinVar:

ClinVar aggregate classification (germline): Uncertain significance (1 of 4 stars; one submission).

Conditions:
Intellectual disability, CASK-related, X-linked. Identifiers: MedGen CN043158.

Submission:

Labcorp Genetics (formerly Invitae), Labcorp
Classification: Uncertain significance for Intellectual disability, CASK-related, X-linked. Last evaluated: 2023-12-01. Review status: criteria provided, single submitter. Criteria: Invitae Variant Classification Sherloc (09022015). Collection method: clinical testing. Allele origin: unknown.
Comment: This variant is a gross deletion of the genomic region encompassing exon(s) 2-3 of the CASK gene. This variant would be expected to be in-frame, preserving the integrity of the reading frame. A similar copy number variant has been observed in individual(s) with clinical features of CASK-related conditions (Invitae). Experimental studies and prediction algorithms are not available or were not evaluated, and the functional significance of this variant is currently unknown. This variant disrupts a region of the CASK protein in which other variant(s) (p.Val90Ala) have been observed in individuals with CASK-related conditions (Invitae). This suggests that this is a clinically significant region of the protein, and that variants that disrupt it are likely to be disease-causing. In summary, the available evidence is currently insufficient to determine the role of this variant in disease. Therefore, it has been classified as a Variant of Uncertain Significance.

NC_000023.10:g.(?_41646411)_(41712500_?)del

Gene: CASK (calcium/calmodulin dependent serine protein kinase; minus strand). Cytogenetic location: Xp11.4.
Variant type: Deletion.
Identifiers: ClinVar variation 3245317 (VCV003245317.1).